The following is an entry in ClinVar:

ClinVar aggregate classification (germline): Uncertain significance. Review status: criteria provided, multiple submitters, no conflicts (2 of 4 stars). 3 submissions from 3 submitters: Uncertain significance (3). Last evaluated 2026-03-18.

Conditions:
Hereditary cancer-predisposing syndrome. Also called: Tumor predisposition; Neoplastic Syndromes, Hereditary; Hereditary neoplastic syndrome; Hereditary Cancer Syndrome. Identifiers: Orphanet 140162, MedGen C0027672, MeSH D009386, MONDO:0015356.
Hereditary breast ovarian cancer syndrome. Also called: Hereditary breast and ovarian cancer; Hereditary breast and ovarian cancer syndrome (HBOC); Hereditary breast and/or ovarian cancer syndrome; Breast and ovarian cancer; BRCA1- and BRCA2-Associated Hereditary Breast and Ovarian Cancer; Hereditary breast and ovarian cancer syndrome. Identifiers: Orphanet 145, MedGen C0677776, MeSH D061325, MONDO:0003582. Disease mechanism: loss of function.

Submissions (3):

Ambry Genetics
Classification: Uncertain significance for Hereditary cancer-predisposing syndrome. Last evaluated: 2026-03-18. Review status: criteria provided, single submitter. Criteria: Ambry Variant Classification Scheme 2023. Collection method: clinical testing. Allele origin: germline.
Comment: The p.L2686R variant (also known as c.8057T>G), located in coding exon 17 of the BRCA2 gene, results from a T to G substitution at nucleotide position 8057. The leucine at codon 2686 is replaced by arginine, an amino acid with dissimilar properties. Two saturation genome editing-based studies, including a haploid cell-survival assay and a humanized mouse embryonic stem cell line assay of drug response and survival, demonstrate that this nucleotide substitution may be non-functional; however, additional evidence is needed to confirm these findings (Huang H et al. Nature, 2025 Feb;638:528-537; Sahu S et al. Nature, 2025 Feb;638:538-545). This amino acid position is highly conserved in available vertebrate species. In addition, this alteration is predicted to be deleterious by in silico analysis. Based on the available evidence, the clinical significance of this variant remains unclear.

Labcorp Genetics (formerly Invitae), Labcorp
Classification: Uncertain significance for Hereditary breast ovarian cancer syndrome. Last evaluated: 2026-01-31. Review status: criteria provided, single submitter. Criteria: Invitae Variant Classification Sherloc (09022015). Collection method: clinical testing. Allele origin: germline.
Comment: This sequence change replaces leucine, which is neutral and non-polar, with arginine, which is basic and polar, at codon 2686 of the BRCA2 protein (p.Leu2686Arg). This variant is not present in population databases (gnomAD no frequency). This missense change has been observed in individual(s) with a personal or family history of breast and/or ovarian cancer (PMID: 27376475). ClinVar contains an entry for this variant (Variation ID: 838913). Invitae Evidence Modeling of protein sequence and biophysical properties (such as structural, functional, and spatial information, amino acid conservation, physicochemical variation, residue mobility, and thermodynamic stability) has been performed for this missense variant. However, the output from this modeling did not meet the statistical confidence thresholds required to predict the impact of this variant on BRCA2 protein function. This variant disrupts the p.Leu2686 amino acid residue in BRCA2. Other variant(s) that disrupt this residue have been determined to be pathogenic (PMID: 19043619, 21990134, 26740091, 29394989). This suggests that this residue is clinically significant, and that variants that disrupt this residue are likely to be disease-causing. In summary, the available evidence is currently insufficient to determine the role of this variant in disease. Therefore, it has been classified as a Variant of Uncertain Significance.

Color Diagnostics, LLC DBA Color Health
Classification: Uncertain significance for Hereditary cancer-predisposing syndrome. Last evaluated: 2023-12-21. Review status: criteria provided, single submitter. Criteria: ACMG Guidelines, 2015. Collection method: clinical testing. Allele origin: germline.
Comment: This missense variant replaces leucine with arginine at codon 2686 of the BRCA2 protein. Computational prediction suggests that this variant may have deleterious impact on protein structure and function. To our knowledge, functional studies have not been reported for this variant. This variant has been reported in an individual with a personal or family history of breast and/or ovarian cancer (PMID: 27376475). A different missense variant at this codon, c.8057T>C (p.Leu2686Pro), is reported as disease-causing in ClinVar (variation ID: 109373). This variant has not been identified in the general population by the Genome Aggregation Database (gnomAD). The available evidence is insufficient to determine the role of this variant in disease conclusively. Therefore, this variant is classified as a Variant of Uncertain Significance.

Literature cited by the submitters: PubMed 39779848 (cited by Ambry Genetics); PubMed 39779857 (cited by Ambry Genetics); PubMed 27376475 (cited by Labcorp Genetics (formerly Invitae), Labcorp and Color Diagnostics, LLC DBA Color Health); PubMed 19043619 (cited by Labcorp Genetics (formerly Invitae), Labcorp); PubMed 21990134 (cited by Labcorp Genetics (formerly Invitae), Labcorp); PubMed 26740091 (cited by Labcorp Genetics (formerly Invitae), Labcorp); PubMed 29394989 (cited by Labcorp Genetics (formerly Invitae), Labcorp).

NM_000059.4(BRCA2):c.8057T>G (p.Leu2686Arg)

Gene: BRCA2 (BRCA2 DNA repair associated; plus strand). Cytogenetic location: 13q13.1.
Variant type: single nucleotide variant.
Coding change: c.8057T>G on transcript NM_000059.4 (MANE Select); coding-DNA position 8057, T replaced by G.
Protein change: p.Leu2686Arg; replaces leucine 2686 with arginine.
Molecular consequence: missense variant.
Genome position (GRCh38, 1-based): chr13:32,363,259, T>G. VCF-style: chr13-32363259-T-G. GRCh37 (hg19) VCF-style: chr13-32937396-T-G.
Other names: short protein forms L2686R.
Identifiers: ClinVar variation 838913 (VCV000838913.13), dbSNP rs28897746, ClinGen allele CA387749102.
Genomic context (GRCh38, chr13:32,363,259, plus strand): 5'-GAAGCAGAAGATCGGCTATAAAAAAGATAATGGAAAGGGATGACACAGCTGCAAAAACAC[T>G]TGTTCTCTGTGTTTCTGACATAATTTCATTGAGCGCAAATATATCTGAAACTTCTAGCAA-3'
Protein context (NP_000050.3, residues 2676-2696): MERDDTAAKT[Leu2686Arg]VLCVSDIISL